The following is an entry in ClinVar:

NM_002055.5(GFAP):c.934G>T (p.Glu312Ter)

Gene: GFAP (glial fibrillary acidic protein; minus strand). Cytogenetic location: 17q21.31.
Variant type: single nucleotide variant.
Coding change: c.934G>T on transcript NM_002055.5 (MANE Select); coding-DNA position 934, G replaced by T.
Protein change: p.Glu312Ter; replaces glutamic acid 312 with a stop codon.
Molecular consequence: nonsense.
Genome position (GRCh38, 1-based): chr17:44,911,429, C>A on the plus strand (G>T on the coding strand, the complement: GFAP is on the minus strand). VCF-style: chr17-44911429-C-A. GRCh37 (hg19) VCF-style: chr17-42988797-C-A.
Other names: NM_002055.5(GFAP):c.934G>T; c.934G>T, p.Glu312Ter (NM_001131019.3, NM_001242376.3, NM_001363846.2); short protein forms E312*.
Identifiers: ClinVar variation 190351 (VCV000190351.4), dbSNP rs763868966, ClinGen allele CA347214.

ClinVar aggregate classification (germline): Benign. Review status: reviewed by expert panel (3 of 4 stars). 3 submissions from 3 submitters: Benign (1). 2 of the submissions do not count toward it. Last evaluated 2026-08-18.

Conditions:
Alexander disease (ALXDRD). Also called: Alexander's disease. Identifiers: Orphanet 58, MedGen C0270726, MONDO:0008752, OMIM 203450.

gnomAD v4.1: 27 of 1,610,918 alleles (0.0017%); highest among the groups gnomAD compares: East Asian, 0.056%; no homozygotes.

Submissions (3):

ClinGen Leukodystrophy and Leukoencephalopathy Variant Curation Expert Panel, ClinGen
Classification: Benign for Alexander disease. Last evaluated: 2026-08-18. Review status: reviewed by expert panel. Criteria: ClinGen Leuko ACMG Specifications GFAP V1.0. Collection method: curation. Allele origin: germline. Inheritance: Autosomal dominant inheritance.
Comment: The NM_002055.5(GFAP):c.934G>T, p.Glu312Ter variant in GFAP is a nonsense variant predicted to cause a premature stop codon in a gene in which loss-of-function is not an established disease mechanism. The GrpMax filtering allele frequency in gnomAD v4.1.1 is 0.000387, which is higher than the ClinGen Leukodystrophy and Leukoencephalopathy VCEP threshold (>0.0001) for BA1, and therefore meets this criterion (BA1). In summary, this variant meets the criteria to be classified as benign for Alexander Disease based on the ACMG/AMP criteria applied, as specified by the ClinGen Leukodystrophy and Leukoencephalopathy VCEP: BA1 (ClinGen Leukodystrophy and Leukoencephalopathy VCEP Specifications Version 1.0.0).

Soonchunhyang University Bucheon Hospital, Soonchunhyang University Medical Center
Classification: Uncertain significance for Alexander disease. Last evaluated: 2016-03-18. Review status: criteria provided, single submitter. Criteria: ACMG Guidelines, 2015. Collection method: reference population. Allele origin: germline. Observed: 1 variant allele. Not counted in ClinVar's aggregate classification.

GeneReviews
No classification provided. Condition: Alexander disease. Review status: no classification provided. Collection method: literature only. Allele origin: germline. Affected: yes. Not counted in ClinVar's aggregate classification.

Literature cited by the submitters: PubMed 24755947 (cited by 3 submitters); PubMed 11138011 (cited by Soonchunhyang University Bucheon Hospital, Soonchunhyang University Medical Center); PubMed 15732097 (cited by Soonchunhyang University Bucheon Hospital, Soonchunhyang University Medical Center); NCBI Bookshelf NBK1172 (cited by GeneReviews).